The following is an entry in ClinVar:

ClinVar aggregate classification (germline): Uncertain significance (1 of 4 stars; one submission).

Submission:

ARUP Laboratories, Molecular Genetics and Genomics, ARUP Laboratories
Classification: Uncertain significance. Last evaluated: 2019-03-27. Review status: criteria provided, single submitter. Criteria: ARUP Molecular Germline Variant Investigation Process. Collection method: clinical testing. Allele origin: germline.
Comment: The EPHB4 c.2484+3A>T variant, to our knowledge, is not reported in the medical literature or gene specific databases. This variant is also absent from general population databases (Exome Variant, Genome Aggregation Database), indicating it is not a common polymorphism. This is an intronic variant in a weakly conserved nucleotide, but computational analyses (Alamut v.2.11) predict that this variant may impact splicing by weakening the nearby canonical donor splice site. A different variant at this splice site junction, c.2484+1G>A, has been reported in a patient with CM-AVM2 (Amyere 2017). However, given the lack of clinical and functional data, the significance of the c.2484+3A>T variant is uncertain at this time. REFERENCES Amyere M et al. Germline Loss-of-Function Mutations in EPHB4 Cause a Second Form of Capillary Malformation-Arteriovenous Malformation (CM-AVM2) Deregulating RAS-MAPK Signaling. Circulation. 2017 Sep 12;136(11):1037-1048.

NM_004444.5(EPHB4):c.2484+3A>T

Genes: EPHB4 (EPH receptor B4; minus strand), LOC126860124 (CDK7 strongly-dependent group 2 enhancer GRCh37_chr7:100403701-100404900; plus strand). Cytogenetic location: 7q22.1.
Variant type: single nucleotide variant.
Coding change: c.2484+3A>T on transcript NM_004444.5 (MANE Select); 3 bases into the intron after coding-DNA position 2484, A replaced by T.
Molecular consequence: intron variant.
Genome position (GRCh38, 1-based): chr7:100,806,417, T>A on the plus strand (A>T on the coding strand, the complement: EPHB4 is on the minus strand). VCF-style: chr7-100806417-T-A. GRCh37 (hg19) VCF-style: chr7-100404039-T-A.
Identifiers: ClinVar variation 811358 (VCV000811358.8), dbSNP rs1584653617, ClinGen allele CA915945388.